The following is an entry in ClinVar:

ClinVar aggregate classification (germline): Benign. Review status: criteria provided, multiple submitters, no conflicts (2 of 4 stars). 4 submissions from 4 submitters: Benign (3). 1 of the submissions does not count toward it. Last evaluated 2026-02-03.

Conditions:
CASZ1-related disorder. Also called: CASZ1-related condition.

Allele frequency attached by ClinVar (database versions not stated): ExAC 0.17335; gnomAD 0.17720 and 0.17631; 1000 Genomes Project 30x 0.17911; ESP Exome Variant Server 0.15604; TOPMed 0.17113; 1000 Genomes Project 0.17951.
gnomAD v4.1: 254,433 of 1,610,932 alleles (16%); highest among the groups gnomAD compares: African/African-American, 20%; 21,058 homozygotes.

Submissions (4):

Labcorp Genetics (formerly Invitae), Labcorp
Classification: Benign. Last evaluated: 2026-02-03. Review status: criteria provided, single submitter. Criteria: Invitae Variant Classification Sherloc (09022015). Collection method: clinical testing. Allele origin: germline.

GeneDx
Classification: Benign. Last evaluated: 2020-03-25. Review status: criteria provided, single submitter. Criteria: GeneDx Variant Classification Process June 2021. Collection method: clinical testing. Allele origin: germline. Affected: yes.

Breakthrough Genomics
Classification: Benign. Review status: criteria provided, single submitter. Criteria: ACMG Guidelines, 2015. Collection method: not provided. Allele origin: germline. Inheritance: Unknown mechanism. Affected: yes.

PreventionGenetics, part of Exact Sciences
Classification: Benign for CASZ1-related condition. Last evaluated: 2019-06-04. Review status: no assertion criteria provided. Collection method: clinical testing. Allele origin: germline. Not counted in ClinVar's aggregate classification.
Comment: This variant is classified as benign based on ACMG/AMP sequence variant interpretation guidelines (Richards et al. 2015 PMID: 25741868, with internal and published modifications).

NM_001079843.3(CASZ1):c.147C>T (p.Asp49=)

Gene: CASZ1 (castor zinc finger 1; minus strand). Cytogenetic location: 1p36.22.
Variant type: single nucleotide variant.
Coding change: c.147C>T on transcript NM_001079843.3 (MANE Select); coding-DNA position 147, C replaced by T.
Protein change: p.Asp49=; no amino-acid change (aspartic acid 49 retained).
Molecular consequence: synonymous variant.
Genome position (GRCh38, 1-based): chr1:10,665,441, G>A on the plus strand (C>T on the coding strand, the complement: CASZ1 is on the minus strand). VCF-style: chr1-10665441-G-A. GRCh37 (hg19) VCF-style: chr1-10725498-G-A.
Other names: c.147C>T, p.Asp49= (NM_017766.5).
Identifiers: ClinVar variation 1231792 (VCV001231792.14), dbSNP rs284322, ClinGen allele CA585523.